The following is an entry in ClinVar:

NM_001358530.2(MOCS1):c.1714C>T (p.Arg572Cys)

Gene: MOCS1 (molybdenum cofactor synthesis 1; minus strand). Cytogenetic location: 6p21.2.
Variant type: single nucleotide variant.
Coding change: c.1714C>T on transcript NM_001358530.2 (MANE Select); coding-DNA position 1714, C replaced by T.
Protein change: p.Arg572Cys; replaces arginine 572 with cysteine.
Molecular consequence: missense variant. On other transcripts: 3 prime UTR variant (4), non-coding transcript variant (1).
Genome position (GRCh38, 1-based): chr6:39,906,554, G>A on the plus strand (C>T on the coding strand, the complement: MOCS1 is on the minus strand). VCF-style: chr6-39906554-G-A. GRCh37 (hg19) VCF-style: chr6-39874330-G-A.
Other names: c.*571C>T (NM_001075098.4, NM_001358533.2, NM_001358534.2 and 1 more transcripts); c.1666C>T, p.Arg556Cys (NM_001358529.2); c.1453C>T, p.Arg485Cys (NM_001358531.2); short protein forms R556C, R485C, R572C.
Identifiers: ClinVar variation 907235 (VCV000907235.6), dbSNP rs574721812, ClinGen allele CA3795910.

ClinVar aggregate classification (germline): Uncertain significance. Review status: criteria provided, multiple submitters, no conflicts (2 of 4 stars). 2 submissions from 2 submitters: Uncertain significance (2). Last evaluated 2022-04-21.

Conditions:
Sulfite oxidase deficiency due to molybdenum cofactor deficiency type A. Also called: Molybdenum cofactor deficiency, complementation group A; Molybdenum Cofactor Deficiency A. Identifiers: Orphanet 308386, Orphanet 833, MedGen C1854988, MONDO:0009643, OMIM 252150.

Allele frequency attached by ClinVar (database versions not stated): TOPMed 0.00003; gnomAD 0.00004 and 0.00005; gnomAD exomes 0.00005; ExAC 0.00007; 1000 Genomes Project 30x 0.00016; 1000 Genomes Project 0.00020.
gnomAD v4.1: 75 of 1,613,752 alleles (0.0046%); highest among the groups gnomAD compares: East Asian, 0.029%; no homozygotes.

Submissions (2):

Labcorp Genetics (formerly Invitae), Labcorp
Classification: Uncertain significance for Sulfite oxidase deficiency due to molybdenum cofactor deficiency type A. Last evaluated: 2022-04-21. Review status: criteria provided, single submitter. Criteria: Invitae Variant Classification Sherloc (09022015). Collection method: clinical testing. Allele origin: germline.
Comment: This sequence change replaces arginine, which is basic and polar, with cysteine, which is neutral and slightly polar, at codon 572 of the MOCS1 protein (p.Arg572Cys). This variant is present in population databases (rs574721812, gnomAD 0.05%). This variant has not been reported in the literature in individuals affected with MOCS1-related conditions. ClinVar contains an entry for this variant (Variation ID: 907235). Algorithms developed to predict the effect of missense changes on protein structure and function are either unavailable or do not agree on the potential impact of this missense change (SIFT: "Not Available"; PolyPhen-2: "Benign"; Align-GVGD: "Not Available"). In summary, the available evidence is currently insufficient to determine the role of this variant in disease. Therefore, it has been classified as a Variant of Uncertain Significance.

Illumina Laboratory Services, Illumina
Classification: Uncertain significance for Sulfite oxidase deficiency due to molybdenum cofactor deficiency type A. Last evaluated: 2018-01-13. Review status: criteria provided, single submitter. Criteria: ICSL Variant Classification Criteria 13 December 2019. Collection method: clinical testing. Allele origin: germline.